The following is an entry in ClinVar:

NM_017777.4(MKS1):c.*134C>T

Gene: MKS1 (MKS transition zone complex subunit 1; minus strand). Cytogenetic location: 17q22.
Variant type: single nucleotide variant.
Coding change: c.*134C>T on transcript NM_017777.4 (MANE Select); 134 bases downstream of the stop codon, C replaced by T.
Molecular consequence: 3 prime UTR variant.
Genome position (GRCh38, 1-based): chr17:58,205,945, G>A on the plus strand (C>T on the coding strand, the complement: MKS1 is on the minus strand). VCF-style: chr17-58205945-G-A. GRCh37 (hg19) VCF-style: chr17-56283306-G-A.
Other names: c.*134C>T (NM_001321268.2); c.*45C>T (NM_001321269.2); c.*226C>T (NM_001330397.2).
Identifiers: ClinVar variation 888910 (VCV000888910.28), dbSNP rs34224064, ClinGen allele CA292007194.

ClinVar aggregate classification (germline): Conflicting classifications of pathogenicity. Review status: criteria provided, conflicting classifications (1 of 4 stars). 3 submissions from 2 submitters: Uncertain significance (1); Likely benign (2). Last evaluated 2023-01-01.

Conditions:
Meckel syndrome, type 1 (MKS1). Also called: MECKEL-GRUBER SYNDROME, TYPE 1. Identifiers: Orphanet 564, MedGen C3714506, MONDO:0009571, OMIM 249000.
Bardet-Biedl syndrome 13 (BBS13). Identifiers: Orphanet 110, MedGen C2673873, MONDO:0014441, OMIM 615990.

Allele frequency attached by ClinVar (database versions not stated): gnomAD 0.00041 and 0.00058; gnomAD exomes 0.00052; TOPMed 0.00074; 1000 Genomes Project 30x 0.00312; 1000 Genomes Project 0.00339.

Submissions (3):

CeGaT Center for Human Genetics Tuebingen
Classification: Likely benign. Last evaluated: 2023-01-01. Review status: criteria provided, single submitter. Criteria: CeGaT Center For Human Genetics Tuebingen Variant Classification Criteria Version 2. Collection method: clinical testing. Allele origin: germline. Affected: yes. Observed: 1 variant allele.
Comment: MKS1: BS1

Illumina Laboratory Services, Illumina
Classification: Likely benign for Bardet-Biedl syndrome 13. Last evaluated: 2018-01-13. Review status: criteria provided, single submitter. Criteria: ICSL Variant Classification Criteria 13 December 2019. Collection method: clinical testing. Allele origin: germline.
Comment: This variant was observed in the ICSL laboratory as part of a predisposition screen in an ostensibly healthy population. It had not been previously curated by ICSL or reported in the Human Gene Mutation Database (HGMD: prior to June 1st, 2018), and was therefore a candidate for classification through an automated scoring system. Utilizing variant allele frequency, disease prevalence and penetrance estimates, and inheritance mode, an automated score was calculated to assess if this variant is too frequent to cause the disease. Based on the score and internal cut-off values, a variant classified as likely benign is not then subjected to further curation. The score for this variant resulted in a classification of likely benign for this disease.

Illumina Laboratory Services, Illumina
Classification: Uncertain significance for Meckel syndrome, type 1. Last evaluated: 2018-01-13. Review status: criteria provided, single submitter. Criteria: ICSL Variant Classification Criteria 13 December 2019. Collection method: clinical testing. Allele origin: germline.